The following is an entry in ClinVar:

ClinVar aggregate classification (germline): Uncertain significance (3 of 4 stars; one submission).

Conditions:
Monogenic diabetes. Identifiers: Orphanet 183625, MedGen C3888631, MONDO:0015967.

Submission:

ClinGen Monogenic Diabetes Variant Curation Expert Panel
Classification: Uncertain significance for Monogenic diabetes. Last evaluated: 2025-04-11. Review status: reviewed by expert panel. Criteria: ClinGen Diabetes ACMG Specifications HNF1A V2.1.0. Collection method: curation. Allele origin: germline. Inheritance: Autosomal dominant inheritance.
Comment: The c.-287G>A variant in the HNF1 homeobox A gene, HNF1A, is located in the promoter of NM_000545.8. This region is defined as critical for the protein’s function by the ClinGen MDEP (PM1_Supporting) and is absent from gnomAD v2.1.1 and v4.1 (PM2_Supporting). Additionally, the c.-287G>A variant was identified in at least one individual with a clinical history highly specific for HNF1A-MODY (MODY probability calculator result >50%, negative genetic testing for HNF4A, and response to low doses of sulfonylurea) (PP4_Moderate; PMID: 23348805).  This variant segregated with diabetes with one informative meiosis in a single family; however, this does not meet the thresholds for PP1 set by the ClinGen MDEP (PMID: 27236918; internal lab contributors). In summary, c.-287G>A meets the criteria to be classified as a variant of uncertain significance for monogenic diabetes. ACMG/AMP criteria applied, as specified by the ClinGen MDEP (specification version 2.1.0, approved 8/11/23): PM1_Supporting, PM2_Supporting, PP4_Moderate.

Literature cited by the submitters: PubMed 23348805; PubMed 27236918.

NC_000012.12:g.120978482G>A

Gene: HNF1A (HNF1 homeobox A; plus strand). Cytogenetic location: 12q24.31.
Variant type: single nucleotide variant.
Genome position: GRCh38 VCF-style: chr12-120978482-G-A. GRCh37 (hg19) VCF-style: chr12-121416285-G-A.
Identifiers: ClinVar variation 1342946 (VCV001342946.4), dbSNP rs2135818764, ClinGen allele CA915940616.